The following is an entry in ClinVar:

ClinVar aggregate classification (germline): Uncertain significance (1 of 4 stars; one submission).

Conditions:
Hereditary cancer-predisposing syndrome. Also called: Neoplastic Syndromes, Hereditary; Tumor predisposition; Hereditary neoplastic syndrome; Hereditary Cancer Syndrome. Identifiers: Orphanet 140162, MedGen C0027672, MeSH D009386, MONDO:0015356.

Allele frequency attached by ClinVar (database versions not stated): gnomAD exomes below 0.00001.

Submission:

Ambry Genetics
Classification: Uncertain significance for Hereditary cancer-predisposing syndrome. Last evaluated: 2023-12-10. Review status: criteria provided, single submitter. Criteria: Ambry Variant Classification Scheme 2023. Collection method: clinical testing. Allele origin: germline.
Comment: The p.V214L variant (also known as c.640G>T), located in coding exon 7 of the CDC73 gene, results from a G to T substitution at nucleotide position 640. The valine at codon 214 is replaced by leucine, an amino acid with highly similar properties. This amino acid position is conserved. In addition, the in silico prediction for this alteration is inconclusive. Since supporting evidence is limited at this time, the clinical significance of this alteration remains unclear.

NM_024529.5(CDC73):c.640G>T (p.Val214Leu)

Gene: CDC73 (cell division cycle 73; plus strand). Cytogenetic location: 1q31.2.
Variant type: single nucleotide variant.
Coding change: c.640G>T on transcript NM_024529.5 (MANE Select); coding-DNA position 640, G replaced by T.
Protein change: p.Val214Leu; replaces valine 214 with leucine.
Molecular consequence: missense variant.
Genome position (GRCh38, 1-based): chr1:193,141,977, G>T. VCF-style: chr1-193141977-G-T. GRCh37 (hg19) VCF-style: chr1-193111107-G-T.
Other names: short protein forms V214L.
Identifiers: ClinVar variation 3227880 (VCV003227880.1), dbSNP rs1675913675, ClinGen allele CA343962641.